The following is an entry in ClinVar:

ClinVar aggregate classification (germline): Uncertain significance (1 of 4 stars; one submission).

Submission:

Athena Diagnostics
Classification: Uncertain significance. Last evaluated: 2023-01-03. Review status: criteria provided, single submitter. Criteria: Athena Diagnostics Criteria. Collection method: clinical testing. Allele origin: unknown.
Comment: Available data are insufficient to determine the clinical significance of the variant at this time. This variant has not been reported in large, multi-ethnic general populations. Computational tools predict that this variant is damaging.

NM_001378452.1(ITPR1):c.7826A>C (p.Gln2609Pro)

Genes: ITPR1 (inositol 1,4,5-trisphosphate receptor type 1; plus strand), LOC126806590 (MED14-independent group 3 enhancer GRCh37_chr3:4855759-4856958; plus strand). Cytogenetic location: 3p26.1.
Variant type: single nucleotide variant.
Coding change: c.7826A>C on transcript NM_001378452.1 (MANE Select); coding-DNA position 7826, A replaced by C.
Protein change: p.Gln2609Pro; replaces glutamine 2609 with proline.
Molecular consequence: missense variant.
Genome position (GRCh38, 1-based): chr3:4,815,177, A>C. VCF-style: chr3-4815177-A-C. GRCh37 (hg19) VCF-style: chr3-4856861-A-C.
Other names: c.7682A>C, p.Gln2561Pro (NM_001099952.4); c.7781A>C, p.Gln2594Pro (NM_001168272.2); c.7637A>C, p.Gln2546Pro (NM_002222.7); short protein forms Q2546P, Q2561P, Q2594P, Q2609P.
Identifiers: ClinVar variation 2684244 (VCV002684244.1), dbSNP rs2470181280, ClinGen allele CA351649869.